The following is an entry in ClinVar:

ClinVar aggregate classification (germline): Likely benign (1 of 4 stars; one submission).

Conditions:
Peters plus syndrome. Also called: KRAUSE-KIVLIN SYNDROME. Identifiers: Orphanet 709, MedGen C0796012, MONDO:0009856, OMIM 261540.

Allele frequency attached by ClinVar (database versions not stated): 1000 Genomes Project 0.00100; 1000 Genomes Project 30x 0.00141; gnomAD 0.00234 and 0.00241; TOPMed 0.00257; gnomAD exomes 0.00285.
gnomAD v4.1: 497 of 201,674 alleles (0.25%); highest among the groups gnomAD compares: Non-Finnish European, 0.38%; 2 homozygotes.

Submission:

Illumina Laboratory Services, Illumina
Classification: Likely benign for Peters plus syndrome. Last evaluated: 2018-01-12. Review status: criteria provided, single submitter. Criteria: ICSL Variant Classification Criteria 13 December 2019. Collection method: clinical testing. Allele origin: germline.
Comment: This variant was observed in the ICSL laboratory as part of a predisposition screen in an ostensibly healthy population. It had not been previously curated by ICSL or reported in the Human Gene Mutation Database (HGMD: prior to June 1st, 2018), and was therefore a candidate for classification through an automated scoring system. Utilizing variant allele frequency, disease prevalence and penetrance estimates, and inheritance mode, an automated score was calculated to assess if this variant is too frequent to cause the disease. Based on the score and internal cut-off values, a variant classified as likely benign is not then subjected to further curation. The score for this variant resulted in a classification of likely benign for this disease.

NM_194318.4(B3GLCT):c.*439T>C

Gene: B3GLCT (beta 3-glucosyltransferase; plus strand). Cytogenetic location: 13q12.3.
Variant type: single nucleotide variant.
Coding change: c.*439T>C on transcript NM_194318.4 (MANE Select); 439 bases downstream of the stop codon, T replaced by C.
Molecular consequence: 3 prime UTR variant.
Genome position (GRCh38, 1-based): chr13:31,330,107, T>C. VCF-style: chr13-31330107-T-C. GRCh37 (hg19) VCF-style: chr13-31904244-T-C.
Identifiers: ClinVar variation 883875 (VCV000883875.4), dbSNP rs138331880, ClinGen allele CA247893003.
Genomic context (GRCh38, chr13:31,330,107, plus strand): 5'-GATGTGACTGTCTACAGTTCTATTTGTATATATAAAAAGAAGACTGAAAGTCTTTTGACA[T>C]GGATATTGTGAATGGTATGAACTTTTAAACCATATTATTGATGATGAAAATTATTTCCTG-3'